The following is an entry in ClinVar:

ClinVar aggregate classification (germline): Benign/Likely benign. Review status: criteria provided, multiple submitters, no conflicts (2 of 4 stars). 10 submissions from 10 submitters: Benign (8); Likely benign (1). 1 of the submissions does not count toward it. Last evaluated 2026-02-04.

Conditions:
Fanconi anemia (FA). Also called: Fanconi's anemia. Identifiers: Orphanet 84, MedGen C0015625, MeSH D005199, MONDO:0019391.
Fanconi anemia complementation group P. Also called: SLX4-Related Fanconi Anemia. Identifiers: Orphanet 84, MedGen C3469542, MONDO:0013499, OMIM 613951.

Allele frequency attached by ClinVar (database versions not stated): 1000 Genomes Project 0.05451; 1000 Genomes Project 30x 0.05637; gnomAD exomes 0.06122 and 0.06292; TOPMed 0.06257; ExAC 0.06279; gnomAD 0.06312 and 0.06384; ESP Exome Variant Server 0.06511.
gnomAD v4.1: 101,298 of 1,613,030 alleles (6.3%); highest among the groups gnomAD compares: Admixed American, 7%; 3,410 homozygotes.

Submissions (10):

Labcorp Genetics (formerly Invitae), Labcorp
Classification: Benign for Fanconi anemia. Last evaluated: 2026-02-04. Review status: criteria provided, single submitter. Criteria: Invitae Variant Classification Sherloc (09022015). Collection method: clinical testing. Allele origin: germline.

Mayo Clinic Laboratories, Mayo Clinic
Classification: Benign. Last evaluated: 2025-09-15. Review status: criteria provided, single submitter. Criteria: ACMG Guidelines, 2015. Collection method: clinical testing. Allele origin: germline. Observed: 2 variant alleles.

ARUP Laboratories, Molecular Genetics and Genomics, ARUP Laboratories
Classification: Benign for Fanconi anemia complementation group P. Last evaluated: 2025-07-02. Review status: criteria provided, single submitter. Criteria: ARUP Molecular Germline Variant Investigation Process 2024. Collection method: clinical testing. Allele origin: germline.

KCCC/NGS Laboratory, Kuwait Cancer Control Center
Classification: Benign for Fanconi anemia complementation group P. Last evaluated: 2025-02-01. Review status: criteria provided, single submitter. Criteria: ACMG Guidelines, 2015. Collection method: clinical testing. Allele origin: germline. Affected: no.

Blueprint Genetics
Classification: Likely benign. Last evaluated: 2024-11-27. Review status: criteria provided, single submitter. Criteria: ACMG Guidelines, 2015. Collection method: clinical testing. Allele origin: germline.

GeneDx
Classification: Benign. Last evaluated: 2019-02-24. Review status: criteria provided, single submitter. Criteria: GeneDx Variant Classification Process June 2021. Collection method: clinical testing. Allele origin: germline. Affected: yes.

Illumina Laboratory Services, Illumina
Classification: Benign for Fanconi anemia complementation group P. Last evaluated: 2018-01-13. Review status: criteria provided, single submitter. Criteria: ICSL Variant Classification Criteria 13 December 2019. Collection method: clinical testing. Allele origin: germline.
Comment: This variant was observed in the ICSL laboratory as part of a predisposition screen in an ostensibly healthy population. It had not been previously curated by ICSL or reported in the Human Gene Mutation Database (HGMD: prior to June 1st, 2018), and was therefore a candidate for classification through an automated scoring system. Utilizing variant allele frequency, disease prevalence and penetrance estimates, and inheritance mode, an automated score was calculated to assess if this variant is too frequent to cause the disease. Based on the score and internal cut-off values, a variant classified as benign is not then subjected to further curation. The score for this variant resulted in a classification of benign for this disease.

Breakthrough Genomics
Classification: Benign. Review status: criteria provided, single submitter. Criteria: ACMG Guidelines, 2015. Collection method: not provided. Allele origin: germline. Inheritance: Autosomal recessive inheritance. Affected: yes.

PreventionGenetics, part of Exact Sciences
Classification: Benign. Review status: criteria provided, single submitter. Criteria: ACMG Guidelines, 2015. Collection method: clinical testing. Allele origin: germline.

Leiden Open Variation Database
Classification: Likely benign. Last evaluated: 2012-08-31. Review status: no assertion criteria provided. Collection method: curation. Allele origin: germline. Affected: yes. Not counted in ClinVar's aggregate classification.
Comment: Curator: Arleen D. Auerbach. Submitter to LOVD: Janine Bakker.

Literature cited by the submitters: PubMed 22911665 (cited by Leiden Open Variation Database).

NM_032444.4(SLX4):c.1156A>G (p.Met386Val)

Gene: SLX4 (SLX4 structure-specific endonuclease subunit; minus strand). Cytogenetic location: 16p13.3.
Variant type: single nucleotide variant.
Coding change: c.1156A>G on transcript NM_032444.4 (MANE Select); coding-DNA position 1156, A replaced by G.
Protein change: p.Met386Val; replaces methionine 386 with valine.
Molecular consequence: missense variant.
Genome position (GRCh38, 1-based): chr16:3,600,986, T>C on the plus strand (A>G on the coding strand, the complement: SLX4 is on the minus strand). VCF-style: chr16-3600986-T-C. GRCh37 (hg19) VCF-style: chr16-3650987-T-C.
Other names: c.1156A>G (LRG_503t1, NM_032444.3); short protein forms M386V.
Identifiers: ClinVar variation 262032 (VCV000262032.32), dbSNP rs113490934, ClinGen allele CA7866629.